The following is an entry in ClinVar:

ClinVar aggregate classification (germline): Likely benign (1 of 4 stars; one submission).

Conditions:
NPHP3-related disorder. Also called: NPHP3-related disorders; NPHP3-related condition. Identifiers: MedGen CN379163.

Submission:

PreventionGenetics, part of Exact Sciences
Classification: Likely benign for NPHP3-related condition. Last evaluated: 2025-07-23. Review status: criteria provided, single submitter. Criteria: ACMG Guidelines, 2015. Collection method: clinical testing. Allele origin: germline.
Comment: This variant is classified as likely benign based on ACMG/AMP sequence variant interpretation guidelines (Richards et al. 2015 PMID: 25741868, with internal and published modifications).

NM_153240.4(NPHP3):c.-57T>C

Genes: NPHP3 (nephrocystin 3; minus strand), NPHP3-ACAD11 (NPHP3-ACAD11 readthrough (NMD candidate); minus strand), NPHP3-AS1 (NPHP3 antisense RNA 1; plus strand). Cytogenetic location: 3q22.1.
Variant type: single nucleotide variant.
Coding change: c.-57T>C on transcript NM_153240.4; 57 bases upstream of the start codon, T replaced by C.
Molecular consequence: non-coding transcript variant (on NR_037804.1).
Genome position (GRCh38, 1-based): chr3:132,722,412, A>G on the plus strand (T>C on the coding strand, the complement: NPHP3 is on the minus strand). VCF-style: chr3-132722412-A-G. GRCh37 (hg19) VCF-style: chr3-132441256-A-G.
Identifiers: ClinVar variation 4977376 (VCV004977376.1).